The following is an entry in ClinVar:

NM_001031679.3(MSRB3):c.449dup (p.Tyr150Ter)

Gene: MSRB3 (methionine sulfoxide reductase B3; plus strand). Cytogenetic location: 12q14.3.
Variant type: Duplication.
Coding change: c.449dup on transcript NM_001031679.3 (MANE Select); coding-DNA position 449, one base duplicated (A; older notation c.449dupA).
Protein change: p.Tyr150Ter; replaces tyrosine 150 with a stop codon.
Molecular consequence: nonsense.
Genome position (GRCh38, 1-based): chr12:65,463,213, A duplicated. VCF-style (leftmost placement, unchanged base first): chr12-65463212-T-TA. GRCh37 (hg19) VCF-style: chr12-65856992-T-TA.
Other names: c.449dup, p.Tyr150Ter (NM_001193460.2, NM_001193461.2); c.470dup, p.Tyr157Ter (NM_198080.4); short protein forms Y150*, Y157*.
Identifiers: ClinVar variation 3601283 (VCV003601283.1).

ClinVar aggregate classification (germline): Likely pathogenic (1 of 4 stars; one submission).

Conditions:
Autosomal recessive nonsyndromic hearing loss 74. Identifiers: Orphanet 90636, MedGen C2239351, MONDO:0013386, OMIM 613718.

Submission:

Institute of Rare Diseases, West China Hospital, Sichuan University
Classification: Likely pathogenic for Autosomal recessive nonsyndromic hearing loss 74. Last evaluated: 2025-01-09. Review status: criteria provided, single submitter. Criteria: ClinGen HL ACMG Specifications v1. Collection method: research. Allele origin: germline. Affected: yes.
Comment: PVS1;PM2_Supporting